The following is an entry in ClinVar:

ClinVar aggregate classification (germline): Benign. Review status: criteria provided, multiple submitters, no conflicts (2 of 4 stars). 3 submissions from 2 submitters: Benign (3). Last evaluated 2018-01-13.

Conditions:
Charcot-Marie-Tooth disease, axonal, with vocal cord paresis, autosomal recessive. Also called: CHARCOT-MARIE-TOOTH DISEASE, TYPE 4A, AXONAL FORM; CHARCOT-MARIE-TOOTH NEUROPATHY, AXONAL, WITH VOCAL CORD PARESIS, AUTOSOMAL RECESSIVE; CMT2 WITH VOCAL CORD PARESIS, AUTOSOMAL RECESSIVE. Identifiers: Orphanet 101097, MedGen C1843183, MONDO:0011898, OMIM 607706.
Charcot-Marie-Tooth disease recessive intermediate A (CMTRIA). Also called: CHARCOT-MARIE-TOOTH NEUROPATHY, RECESSIVE INTERMEDIATE A. Identifiers: Orphanet 217055, MedGen C1842197, MONDO:0012014, OMIM 608340.

Allele frequency attached by ClinVar (database versions not stated): 1000 Genomes Project 30x 0.22611; 1000 Genomes Project 0.22943; ExAC 0.23293; TOPMed 0.25623; gnomAD 0.26834 and 0.26909; gnomAD exomes 0.27521 and 0.28984.
gnomAD v4.1: 128,265 of 452,964 alleles (28%); highest among the groups gnomAD compares: Non-Finnish European, 34%; 19,693 homozygotes.

Submissions (3):

Illumina Laboratory Services, Illumina
Classification: Benign for Charcot-Marie-Tooth disease, axonal, with vocal cord paresis, autosomal recessive. Last evaluated: 2018-01-13. Review status: criteria provided, single submitter. Criteria: ICSL Variant Classification Criteria 13 December 2019. Collection method: clinical testing. Allele origin: germline.
Comment: This variant was observed in the ICSL laboratory as part of a predisposition screen in an ostensibly healthy population. It had not been previously curated by ICSL or reported in the Human Gene Mutation Database (HGMD: prior to June 1st, 2018), and was therefore a candidate for classification through an automated scoring system. Utilizing variant allele frequency, disease prevalence and penetrance estimates, and inheritance mode, an automated score was calculated to assess if this variant is too frequent to cause the disease. Based on the score and internal cut-off values, a variant classified as benign is not then subjected to further curation. The score for this variant resulted in a classification of benign for this disease.

Illumina Laboratory Services, Illumina
Classification: Benign for Charcot-Marie-Tooth disease recessive intermediate A. Last evaluated: 2018-01-13. Review status: criteria provided, single submitter. Criteria: ICSL Variant Classification Criteria 13 December 2019. Collection method: clinical testing. Allele origin: germline.
Comment: the same text as in the submission from Illumina Laboratory Services, Illumina above.

Breakthrough Genomics
Classification: Benign. Review status: criteria provided, single submitter. Criteria: ACMG Guidelines, 2015. Collection method: not provided. Allele origin: germline. Inheritance: Autosomal recessive inheritance. Affected: yes.

NM_018972.4(GDAP1):c.*2214A>G

Gene: GDAP1 (ganglioside induced differentiation associated protein 1; plus strand). Cytogenetic location: 8q21.11.
Variant type: single nucleotide variant.
Coding change: c.*2214A>G on transcript NM_018972.4 (MANE Select); 2214 bases downstream of the stop codon, A replaced by G.
Molecular consequence: 3 prime UTR variant. On other transcripts: intron variant (1).
Genome position (GRCh38, 1-based): chr8:74,366,581, A>G. VCF-style: chr8-74366581-A-G. GRCh37 (hg19) VCF-style: chr8-75278816-A-G.
Other names: c.*2214A>G (NM_001040875.4, NM_001362929.2, NM_001362930.2 and 1 more transcripts); c.694+3528A>G (NM_001362931.2).
Identifiers: ClinVar variation 363758 (VCV000363758.6), dbSNP rs10504580, ClinGen allele CA4785362.
Genomic context (GRCh38, chr8:74,366,581, plus strand): 5'-ATAGGCACTTATGTGTATTTTCTTTTTCATGATTATCGGTGACTGGTCAGTGTACTCATC[A>G]ATTTCCAAAATTTGTATAAATATCACAATTAGAAAAATGCCTGAGGTACTAAAGTTATGT-3'